The following is an entry in ClinVar:

NM_182972.3(IRF2BP2):c.1042A>G (p.Lys348Glu)

Genes: IRF2BP2 (interferon regulatory factor 2 binding protein 2; minus strand), LOC129932810 (ATAC-STARR-seq lymphoblastoid active region 2760; plus strand). Cytogenetic location: 1q42.3.
Variant type: single nucleotide variant.
Coding change: c.1042A>G on transcript NM_182972.3 (MANE Select); coding-DNA position 1042, A replaced by G.
Protein change: p.Lys348Glu; replaces lysine 348 with glutamic acid.
Molecular consequence: missense variant. On other transcripts: intron variant (1).
Genome position (GRCh38, 1-based): chr1:234,608,453, T>C on the plus strand (A>G on the coding strand, the complement: IRF2BP2 is on the minus strand). VCF-style: chr1-234608453-T-C. GRCh37 (hg19) VCF-style: chr1-234744199-T-C.
Other names: c.1000+42A>G (NM_001077397.1); short protein forms K348E.
Identifiers: ClinVar variation 3624281 (VCV003624281.3).

ClinVar aggregate classification (germline): Uncertain significance. Review status: criteria provided, multiple submitters, no conflicts (2 of 4 stars). 2 submissions from 2 submitters: Uncertain significance (2). Last evaluated 2024-12-24.

Conditions:
Immunodeficiency, common variable, 14. Identifiers: Orphanet 696904, MedGen C4540380, MONDO:0054691, OMIM 617765.

gnomAD v4.1: 1 of 1,575,242 alleles (0.000063%); highest among the groups gnomAD compares: Non-Finnish European, 0.000086%; no homozygotes.

Submissions (2):

Labcorp Genetics (formerly Invitae), Labcorp
Classification: Uncertain significance. Last evaluated: 2024-12-24. Review status: criteria provided, single submitter. Criteria: Invitae Variant Classification Sherloc (09022015). Collection method: clinical testing. Allele origin: germline.
Comment: This sequence change replaces lysine, which is basic and polar, with glutamic acid, which is acidic and polar, at codon 348 of the IRF2BP2 protein (p.Lys348Glu). This variant is not present in population databases (gnomAD no frequency). This variant has not been reported in the literature in individuals affected with IRF2BP2-related conditions. An algorithm developed to predict the effect of missense changes on protein structure and function (PolyPhen-2) suggests that this variant is likely to be tolerated. In summary, the available evidence is currently insufficient to determine the role of this variant in disease. Therefore, it has been classified as a Variant of Uncertain Significance.

Department of Pathology and Laboratory Medicine, Sinai Health System
Classification: Uncertain significance for Immunodeficiency, common variable, 14. Last evaluated: 2022-06-01. Review status: criteria provided, single submitter. Criteria: ACMG Guidelines, 2015. Collection method: research. Allele origin: germline.